The following is an entry in ClinVar:

NM_001849.4(COL6A2):c.1956dup (p.Lys653fs)

Gene: COL6A2 (collagen type VI alpha 2 chain; plus strand). Cytogenetic location: 21q22.3.
Variant type: Duplication.
Coding change: c.1956dup on transcript NM_001849.4 (MANE Select); coding-DNA position 1956, one base duplicated (C; older notation c.1956dupC).
Protein change: p.Lys653fs; shifts the reading frame from lysine 653.
Molecular consequence: frameshift variant.
Genome position (GRCh38, 1-based): chr21:46,125,604, C duplicated; the last of 4 consecutive C bases (chr21:46,125,601-46,125,604); duplicating any one gives the same sequence. VCF-style (leftmost placement, unchanged base first): chr21-46125600-A-AC. GRCh37 (hg19) VCF-style: chr21-47545514-A-AC.
Other names: c.1956dup, p.Lys653fs (NM_058174.3, NM_058175.3); short protein forms K653fs.
Identifiers: ClinVar variation 2847242 (VCV002847242.3), dbSNP rs1004649901, ClinGen allele CA321972408.

ClinVar aggregate classification (germline): Pathogenic (1 of 4 stars; one submission).

Conditions:
Bethlem myopathy 1A. Also called: Bethlem myopathy 1; MYOPATHY, BENIGN CONGENITAL, WITH CONTRACTURES; Bethlem Muscular Dystrophy. Identifiers: Orphanet 610, MedGen CN029274, MONDO:0024530, OMIM 158810.

Submission:

Labcorp Genetics (formerly Invitae), Labcorp
Classification: Pathogenic for Bethlem myopathy 1A. Last evaluated: 2023-08-27. Review status: criteria provided, single submitter. Criteria: Invitae Variant Classification Sherloc (09022015). Collection method: clinical testing. Allele origin: germline.
Comment: This sequence change creates a premature translational stop signal (p.Lys653Glnfs*20) in the COL6A2 gene. It is expected to result in an absent or disrupted protein product. Loss-of-function variants in COL6A2 are known to be pathogenic (PMID: 19884007, 20976770). This variant is not present in population databases (gnomAD no frequency). This variant has not been reported in the literature in individuals affected with COL6A2-related conditions. For these reasons, this variant has been classified as Pathogenic.

Literature cited by the submitters: PubMed 19884007; PubMed 20976770.